The following is an entry in ClinVar:

ClinVar aggregate classification (germline): Likely benign. Review status: criteria provided, multiple submitters, no conflicts (2 of 4 stars). 3 submissions from 3 submitters: Likely benign (3). Last evaluated 2026-07-01.

Allele frequency attached by ClinVar (database versions not stated): gnomAD exomes 0.00007 and 0.00015; ESP Exome Variant Server 0.00008; gnomAD 0.00011; TOPMed 0.00014; ExAC 0.00017.
gnomAD v4.1: 115 of 1,614,070 alleles (0.0071%); highest among the groups gnomAD compares: South Asian, 0.019%; 1 homozygote.

Submissions (3):

CeGaT Center for Human Genetics Tuebingen
Classification: Likely benign. Last evaluated: 2026-07-01. Review status: criteria provided, single submitter. Criteria: CeGaT Center For Human Genetics Tuebingen Variant Classification Criteria Version 2. Collection method: clinical testing. Allele origin: germline. Affected: yes. Observed: 1 variant allele.
Comment: XYLT2: BP4, BP7

Labcorp Genetics (formerly Invitae), Labcorp
Classification: Likely benign. Last evaluated: 2025-11-15. Review status: criteria provided, single submitter. Criteria: Invitae Variant Classification Sherloc (09022015). Collection method: clinical testing. Allele origin: germline.

Breakthrough Genomics
Classification: Likely benign. Review status: criteria provided, single submitter. Criteria: ACMG Guidelines, 2015. Collection method: not provided. Allele origin: germline. Inheritance: Autosomal recessive inheritance. Affected: yes.

NM_022167.4(XYLT2):c.1254G>A (p.Pro418=)

Gene: XYLT2 (xylosyltransferase 2; plus strand). Cytogenetic location: 17q21.33.
Variant type: single nucleotide variant.
Coding change: c.1254G>A on transcript NM_022167.4 (MANE Select); coding-DNA position 1254, G replaced by A.
Protein change: p.Pro418=; no amino-acid change (proline 418 retained).
Molecular consequence: synonymous variant.
Genome position (GRCh38, 1-based): chr17:50,355,946, G>A. VCF-style: chr17-50355946-G-A. GRCh37 (hg19) VCF-style: chr17-48433307-G-A.
Identifiers: ClinVar variation 1584593 (VCV001584593.10), dbSNP rs371030442, ClinGen allele CA8646406.